The following is an entry in ClinVar:

ClinVar aggregate classification (germline): Pathogenic (1 of 4 stars; one submission).

Conditions:
Hypophosphatasia. Also called: Phosphoethanol-aminuria. Identifiers: Orphanet 436, MedGen C0020630, MeSH D007014, MONDO:0018570.

Submission:

Genomenon, Inc
Classification: Pathogenic for Hypophosphatasia. Last evaluated: 2025-08-29. Review status: criteria provided, single submitter. Criteria: Genomenon Sequence Variant Interpretation Standards. Collection method: curation. Allele origin: germline. Affected: yes.
Comment: ALPL p.Gln199Ter (c.595C>T) is a nonsense variant that introduces a premature stop codon at amino acid position 199, creating a truncated protein that is predicted to undergo nonsense-mediated mRNA decay. This variant has been observed in at least one proband affected with hypophosphatasia (PMID:36361766). It is absent or not present at a significant frequency in gnomAD. In conclusion, we classify ALPL p.Gln199Ter (c.595C>T) as a pathogenic variant.

Literature cited by the submitters: PubMed 36361766.

NM_000478.6(ALPL):c.595C>T (p.Gln199Ter)

Gene: ALPL (alkaline phosphatase, biomineralization associated; plus strand). Cytogenetic location: 1p36.12.
Variant type: single nucleotide variant.
Coding change: c.595C>T on transcript NM_000478.6 (MANE Select); coding-DNA position 595, C replaced by T.
Protein change: p.Gln199Ter; replaces glutamine 199 with a stop codon.
Molecular consequence: nonsense.
Genome position (GRCh38, 1-based): chr1:21,564,163, C>T. VCF-style: chr1-21564163-C-T. GRCh37 (hg19) VCF-style: chr1-21890656-C-T.
Other names: c.430C>T, p.Gln144Ter (NM_001127501.4); c.364C>T, p.Gln122Ter (NM_001177520.3); c.595C>T, p.Gln199Ter (NM_001369803.2, NM_001369804.2, NM_001369805.2); short protein forms Q122*, Q144*, Q199*.
Identifiers: ClinVar variation 4086821 (VCV004086821.1).
Genomic context (GRCh38, chr1:21,564,163, plus strand): 5'-GCCCACTCGGCTGACCGGGACTGGTACTCAGACAACGAGATGCCCCCTGAGGCCTTGAGC[C>T]AGGGCTGTAAGGACATCGCCTACCAGCTCATGCATAACATCAGGGACATTGACGTGAGTG-3'